The following is an entry in ClinVar:

NM_001267550.2(TTN):c.12519_12520del (p.Glu4173fs)

Gene: TTN (titin; minus strand). Cytogenetic location: 2q31.2.
Variant type: Microsatellite.
Coding change: c.12519_12520del on transcript NM_001267550.2 (MANE Select); coding-DNA positions 12519 to 12520, 2 bases deleted (GA; older notation c.12519_12520delGA).
Protein change: p.Glu4173fs; shifts the reading frame from glutamic acid 4173.
Molecular consequence: frameshift variant. On other transcripts: intron variant (1).
Genome position (GRCh38, 1-based): chr2:178,740,713-178,740,714, TC deleted on the plus strand (GA on the coding strand, the reverse complement: TTN is on the minus strand); deleting any 2 consecutive bases within chr2:178,740,713-178,740,716 gives the same sequence; the c. name uses the placement nearest the transcript's 3' end. VCF-style (leftmost placement, unchanged base first): chr2-178740712-GTC-G. GRCh37 (hg19) VCF-style: chr2-179605439-GTC-G.
Other names: c.12519_12520delGA (NM_001267550.2); c.11568_11569del, p.Glu3856fs (NM_001256850.1); c.11430_11431del, p.Glu3810fs (NM_003319.4); c.11805_11806del, p.Glu3935fs (NM_133432.3); c.12006_12007del, p.Glu4002fs (NM_133437.4); c.10361-2354_10361-2353del (NM_133378.4); short protein forms E4173fs, E3935fs, E4002fs, E3810fs, E3856fs.
Identifiers: ClinVar variation 535053 (VCV000535053.12), dbSNP rs1553939605, ClinGen allele CA658796093.

ClinVar aggregate classification (germline): Likely pathogenic (1 of 4 stars; one submission).

Conditions:
Autosomal recessive limb-girdle muscular dystrophy type 2J (LGMDR10). Also called: Limb-girdle muscular dystrophy, type 2J; MUSCULAR DYSTROPHY, LIMB-GIRDLE, AUTOSOMAL RECESSIVE 10. Identifiers: Orphanet 140922, MedGen C1837342, MONDO:0012127, OMIM 608807.
Dilated cardiomyopathy 1G (CMD1G). Identifiers: Orphanet 154, MedGen C1858763, MONDO:0011400, OMIM 604145.
Primary dilated cardiomyopathy (DCM). Also called: Dilated Cardiomyopathy. Identifiers: Orphanet 217604, MedGen C0007193, MeSH D002311, MONDO:0005021, HP:0001644. Inheritance: Various modes of inheritance.
Tibial muscular dystrophy (TMD). Also called: UDD MYOPATHY; Udd Distal Myopathy – Tibial Muscular Dystrophy; Tibial muscular dystrophy, tardive. Identifiers: Orphanet 609, MedGen C1838244, MONDO:0010870, OMIM 600334.
Myopathy, myofibrillar, 9, with early respiratory failure (MFM9). Also called: EDSTROM MYOPATHY; MYOPATHY, PROXIMAL, WITH EARLY RESPIRATORY MUSCLE INVOLVEMENT; Hereditary myopathy with early respiratory failure; Myopathy, distal, with early respiratory failure, autosomal dominant. Identifiers: Orphanet 178464, Orphanet 34521, MedGen C1863599, MONDO:0011362, OMIM 603689.

Submission:

Labcorp Genetics (formerly Invitae), Labcorp
Classification: Likely pathogenic for Dilated cardiomyopathy 1G; Autosomal recessive limb-girdle muscular dystrophy type 2J. Last evaluated: 2024-10-18. Review status: criteria provided, single submitter. Criteria: Invitae Variant Classification Sherloc (09022015). Collection method: clinical testing. Allele origin: germline.
Comment: This sequence change creates a premature translational stop signal (p.Glu4173Aspfs*22) in the TTN gene. While this is not anticipated to result in nonsense mediated decay, it is expected to create a truncated TTN protein. This variant is not present in population databases (gnomAD no frequency). This variant has not been reported in the literature in individuals affected with TTN-related conditions. ClinVar contains an entry for this variant (Variation ID: 535053). This variant is located in the I band of TTN (PMID: 25589632). Truncating variants in this region have been reported in individuals affected with autosomal recessive centronuclear myopathy (PMID: 23975875, internal data). Truncating variants in this region have also been identified in individuals affected with autosomal dominant dilated cardiomyopathy and/or cardio-related conditions (PMID: 27869827, 32964742, internal data). In summary, the currently available evidence indicates that the variant is pathogenic, but additional data are needed to prove that conclusively. Therefore, this variant has been classified as Likely Pathogenic.

Literature cited by the submitters: PubMed 25589632 (cited by Labcorp Genetics (formerly Invitae), Labcorp); PubMed 23975875 (cited by Labcorp Genetics (formerly Invitae), Labcorp); PubMed 27869827 (cited by Labcorp Genetics (formerly Invitae), Labcorp); PubMed 32964742 (cited by Labcorp Genetics (formerly Invitae), Labcorp).